The following is an entry in ClinVar:

NM_006648.4(WNK2):c.1964C>A (p.Pro655His)

Gene: WNK2 (WNK lysine deficient protein kinase 2; plus strand). Cytogenetic location: 9q22.31.
Variant type: single nucleotide variant.
Coding change: c.1964C>A on transcript NM_006648.4 (MANE Select); coding-DNA position 1964, C replaced by A.
Protein change: p.Pro655His; replaces proline 655 with histidine.
Molecular consequence: missense variant.
Genome position (GRCh38, 1-based): chr9:93,253,012, C>A. VCF-style: chr9-93253012-C-A. GRCh37 (hg19) VCF-style: chr9-96015294-C-A.
Other names: c.1964C>A, p.Pro655His (NM_001282394.3); short protein forms P655H.
Identifiers: ClinVar variation 4201521 (VCV004201521.1).

ClinVar aggregate classification (germline): Uncertain significance (1 of 4 stars; one submission).

gnomAD v4.1: 1 of 1,556,396 alleles (0.000064%); highest among the groups gnomAD compares: South Asian, 0.0012%; no homozygotes.

Submission:

Ambry Genetics
Classification: Uncertain significance. Last evaluated: 2025-06-20. Review status: criteria provided, single submitter. Criteria: Ambry Variant Classification Scheme 2023. Collection method: clinical testing. Allele origin: germline.
Comment: The p.P655H variant (also known as c.1964C>A), located in coding exon 8 of the WNK2 gene, results from a C to A substitution at nucleotide position 1964. The proline at codon 655 is replaced by histidine, an amino acid with similar properties. This amino acid position is conserved. In addition, the in silico prediction for this alteration is inconclusive. Based on the available evidence, the clinical significance of this variant remains unclear.